The following is an entry in ClinVar:

NM_004204.5(PIGQ):c.*254C>T

Gene: PIGQ (phosphatidylinositol glycan anchor biosynthesis class Q; plus strand). Cytogenetic location: 16p13.3.
Variant type: single nucleotide variant.
Coding change: c.*254C>T on transcript NM_004204.5 (MANE Select); 254 bases downstream of the stop codon, C replaced by T.
Molecular consequence: 3 prime UTR variant. On other transcripts: synonymous variant (1).
Genome position (GRCh38, 1-based): chr16:583,289, C>T. VCF-style: chr16-583289-C-T. GRCh37 (hg19) VCF-style: chr16-633289-C-T.
Other names: c.1938C>T, p.Cys646= (NM_148920.4).
Identifiers: ClinVar variation 4281140 (VCV004281140.7).

ClinVar aggregate classification (germline): Likely benign (1 of 4 stars; one submission).

Submission:

CeGaT Center for Human Genetics Tuebingen
Classification: Likely benign. Last evaluated: 2025-09-01. Review status: criteria provided, single submitter. Criteria: CeGaT Center For Human Genetics Tuebingen Variant Classification Criteria Version 2. Collection method: clinical testing. Allele origin: germline. Affected: yes. Observed: 1 variant allele.
Comment: PIGQ: BP4, BP7